The following is an entry in ClinVar:

ClinVar aggregate classification (germline): Uncertain significance (1 of 4 stars; one submission).

Submission:

Institute for Clinical Genetics, University Hospital TU Dresden, University Hospital TU Dresden
Classification: Uncertain significance. Last evaluated: 2023-07-04. Review status: criteria provided, single submitter. Criteria: ACMG Guidelines, 2015. Collection method: clinical testing. Allele origin: germline.
Comment: PM2_SUP

NM_001042492.3(NF1):c.60+29485G>A

Gene: NF1 (neurofibromin 1; plus strand). Cytogenetic location: 17q11.2.
Variant type: single nucleotide variant.
Coding change: c.60+29485G>A on transcript NM_001042492.3 (MANE Select); 29485 bases into the intron after coding-DNA position 60, G replaced by A.
Molecular consequence: intron variant.
Genome position (GRCh38, 1-based): chr17:31,124,854, G>A. VCF-style: chr17-31124854-G-A. GRCh37 (hg19) VCF-style: chr17-29451872-G-A.
Other names: c.60+29485G>A (NM_000267.4, NM_001128147.3).
Identifiers: ClinVar variation 2576137 (VCV002576137.1), dbSNP rs2544589571, ClinGen allele CA2580614037.